The following is an entry in ClinVar:

ClinVar aggregate classification (germline): Benign/Likely benign. Review status: criteria provided, multiple submitters, no conflicts (2 of 4 stars). 3 submissions from 3 submitters: Benign (1); Likely benign (2). Last evaluated 2021-05-13.

Conditions:
Disorders of Intracellular Cobalamin Metabolism. Identifiers: MedGen CN043592.

Allele frequency attached by ClinVar (database versions not stated): gnomAD exomes 0.00073 and 0.00190; ExAC 0.00460; gnomAD 0.00775 and 0.00822; 1000 Genomes Project 0.00819; 1000 Genomes Project 30x 0.00874; TOPMed 0.00882.
gnomAD v4.1: 2,289 of 1,596,028 alleles (0.14%); highest among the groups gnomAD compares: African/African-American, 2.7%; 32 homozygotes.

Submissions (3):

GeneDx
Classification: Likely benign. Last evaluated: 2021-05-13. Review status: criteria provided, single submitter. Criteria: GeneDx Variant Classification Process June 2021. Collection method: clinical testing. Allele origin: germline. Affected: yes.

Illumina Laboratory Services, Illumina
Classification: Benign for Disorders of Intracellular Cobalamin Metabolism. Last evaluated: 2018-01-13. Review status: criteria provided, single submitter. Criteria: ICSL Variant Classification Criteria 13 December 2019. Collection method: clinical testing. Allele origin: germline.
Comment: This variant was observed in the ICSL laboratory as part of a predisposition screen in an ostensibly healthy population. It had not been previously curated by ICSL or reported in the Human Gene Mutation Database (HGMD: prior to June 1st, 2018), and was therefore a candidate for classification through an automated scoring system. Utilizing variant allele frequency, disease prevalence and penetrance estimates, and inheritance mode, an automated score was calculated to assess if this variant is too frequent to cause the disease. Based on the score and internal cut-off values, a variant classified as benign is not then subjected to further curation. The score for this variant resulted in a classification of benign for this disease.

Breakthrough Genomics
Classification: Likely benign. Review status: criteria provided, single submitter. Criteria: ACMG Guidelines, 2015. Collection method: not provided. Allele origin: germline. Inheritance: Autosomal recessive inheritance. Affected: yes.

NM_000254.3(MTR):c.-111C>T

Genes: MTR (5-methyltetrahydrofolate-homocysteine methyltransferase; plus strand), LOC129932885 (ATAC-STARR-seq lymphoblastoid active region 2826; plus strand). Cytogenetic location: 1q43.
Variant type: single nucleotide variant.
Coding change: c.-111C>T on transcript NM_000254.3 (MANE Select); 111 bases upstream of the start codon, C replaced by T.
Molecular consequence: 5 prime UTR variant.
Genome position (GRCh38, 1-based): chr1:236,795,593, C>T. VCF-style: chr1-236795593-C-T. GRCh37 (hg19) VCF-style: chr1-236958893-C-T.
Other names: c.-111C>T (NM_001291939.1); c.-1219C>T (NM_001291940.2).
Identifiers: ClinVar variation 296543 (VCV000296543.7), dbSNP rs113809927, ClinGen allele CA1473559.